The following is an entry in ClinVar:

NM_006506.5(RASA2):c.1801A>T (p.Ser601Cys)

Gene: RASA2 (RAS p21 protein activator 2; plus strand). Cytogenetic location: 3q23.
Variant type: single nucleotide variant.
Coding change: c.1801A>T on transcript NM_006506.5 (MANE Select); coding-DNA position 1801, A replaced by T.
Protein change: p.Ser601Cys; replaces serine 601 with cysteine.
Molecular consequence: missense variant.
Genome position (GRCh38, 1-based): chr3:141,586,073, A>T. VCF-style: chr3-141586073-A-T. GRCh37 (hg19) VCF-style: chr3-141304915-A-T.
Other names: c.1801A>T, p.Ser601Cys (NM_001303245.3, NM_001303246.3); short protein forms S601C.
Identifiers: ClinVar variation 2625079 (VCV002625079.2), dbSNP rs2478778798, ClinGen allele CA354781814.

ClinVar aggregate classification (germline): Uncertain significance (1 of 4 stars; one submission).

Submission:

Ambry Genetics
Classification: Uncertain significance. Last evaluated: 2023-09-11. Review status: criteria provided, single submitter. Criteria: Ambry Variant Classification Scheme 2023. Collection method: clinical testing. Allele origin: germline.
Comment: The p.S601C variant (also known as c.1801A>T), located in coding exon 18 of the RASA2 gene, results from an A to T substitution at nucleotide position 1801. The serine at codon 601 is replaced by cysteine, an amino acid with dissimilar properties. This amino acid position is conserved. In addition, this alteration is predicted to be tolerated by in silico analysis. Since supporting evidence is limited at this time, the clinical significance of this alteration remains unclear.